The following is an entry in ClinVar:

NM_000138.5(FBN1):c.1714+90T>A

Gene: FBN1 (fibrillin 1; minus strand). Cytogenetic location: 15q21.1.
Variant type: single nucleotide variant.
Coding change: c.1714+90T>A on transcript NM_000138.5 (MANE Select); 90 bases into the intron after coding-DNA position 1714, T replaced by A.
Molecular consequence: intron variant.
Genome position (GRCh38, 1-based): chr15:48,509,954, A>T on the plus strand (T>A on the coding strand, the complement: FBN1 is on the minus strand). VCF-style: chr15-48509954-A-T. GRCh37 (hg19) VCF-style: chr15-48802151-A-T.
Identifiers: ClinVar variation 675859 (VCV000675859.1), dbSNP rs75400759, ClinGen allele CA269554184.

ClinVar aggregate classification (germline): Likely benign (1 of 4 stars; one submission).

Allele frequency attached by ClinVar (database versions not stated): gnomAD 0.01309 and 0.01383; TOPMed 0.01450; 1000 Genomes Project 0.01757; 1000 Genomes Project 30x 0.01952.
gnomAD v4.1: 3,381 of 1,340,754 alleles (0.25%); highest among the groups gnomAD compares: African/African-American, 4.5%; 72 homozygotes.

Submission:

GeneDx
Classification: Likely benign. Last evaluated: 2018-06-16. Review status: criteria provided, single submitter. Criteria: GeneDx Variant Classification (06012015). Collection method: clinical testing. Allele origin: germline. Affected: yes.
Comment: This variant is considered likely benign or benign based on one or more of the following criteria: it is a conservative change, it occurs at a poorly conserved position in the protein, it is predicted to be benign by multiple in silico algorithms, and/or has population frequency not consistent with disease.